The following is an entry in ClinVar:

ClinVar aggregate classification (germline): Benign/Likely benign. Review status: criteria provided, multiple submitters, no conflicts (2 of 4 stars). 2 submissions from 2 submitters: Benign (1); Likely benign (1). Last evaluated 2025-01-26.

Conditions:
Prostate cancer, hereditary, 9 (HPC9). Identifiers: Orphanet 1331, MedGen C1970250, MONDO:0012597, OMIM 610997.

Submissions (2):

Labcorp Genetics (formerly Invitae), Labcorp
Classification: Likely benign. Last evaluated: 2025-01-26. Review status: criteria provided, single submitter. Criteria: Invitae Variant Classification Sherloc (09022015). Collection method: clinical testing. Allele origin: germline.

Myriad Genetics, Inc.
Classification: Benign for Prostate cancer, hereditary, 9. Last evaluated: 2024-10-31. Review status: criteria provided, single submitter. Criteria: Myriad Autosomal Dominant, Autosomal Recessive and X-Linked Classification Criteria (2023). Collection method: clinical testing. Allele origin: unknown.
Comment: This variant is considered benign. This variant is a silent/synonymous amino acid change and it is not expected to impact splicing.

NM_006361.6(HOXB13):c.774C>T (p.Arg258=)

Gene: HOXB13 (homeobox B13; minus strand). Cytogenetic location: 17q21.32.
Variant type: single nucleotide variant.
Coding change: c.774C>T on transcript NM_006361.6 (MANE Select); coding-DNA position 774, C replaced by T.
Protein change: p.Arg258=; no amino-acid change (arginine 258 retained).
Molecular consequence: synonymous variant.
Genome position (GRCh38, 1-based): chr17:48,726,871, G>A on the plus strand (C>T on the coding strand, the complement: HOXB13 is on the minus strand). VCF-style: chr17-48726871-G-A. GRCh37 (hg19) VCF-style: chr17-46804233-G-A.
Identifiers: ClinVar variation 3633053 (VCV003633053.3).